The following is an entry in ClinVar:

ClinVar aggregate classification (germline): Pathogenic (1 of 4 stars; one submission).

Conditions:
Familial melanoma. Also called: Hereditary melanoma; Hereditary cutaneous melanoma. Identifiers: Orphanet 618, MedGen C1512419, MONDO:0018961.

Submission:

Labcorp Genetics (formerly Invitae), Labcorp
Classification: Pathogenic for Familial melanoma. Last evaluated: 2021-09-14. Review status: criteria provided, single submitter. Criteria: Invitae Variant Classification Sherloc (09022015). Collection method: clinical testing. Allele origin: germline.
Comment: The CDKN2A gene encodes two different proteins, p16INK4a and p14ARF, which are translated from alternative transcripts that have different open reading frames. This variant is a gross deletion of the genomic region encompassing exons 1 and 2 of the CDKN2A (p16INK4a) transcript, which includes the initiator codon, and exon 2 of the CDKN2A (p14ARF) transcript. The 5' end of this event is unknown, but is likely confined to the region between exon 1 of p16INK4a and exon 1 of p14ARF, as a copy number variation was not detected in exon 1 of the CDKN2A (p14ARF) transcript. This is expected to result in absent or disrupted p16INK4a and p14ARF protein products. Loss-of-function variants in CDKN2A are known to be pathogenic (PMID: 15146471, 16905682). A similar copy number variant has been observed in individual(s) with familial melanoma (PMID: 18612309, 22841127). For these reasons, this variant has been classified as Pathogenic. While the evidence indicates that this variant confers risk of developing CDKN2A (p16INK4a)-associated conditions, its association with risk for developing CDKN2A (p14ARF)-associated conditions is still unclear.

Literature cited by the submitters: PubMed 15146471; PubMed 16905682; PubMed 18612309; PubMed 22841127.

NC_000009.11:g.(?_21970891)_(21975027_?)del

Gene: CDKN2A (cyclin dependent kinase inhibitor 2A; minus strand). Cytogenetic location: 9p21.3.
Variant type: Deletion.
Identifiers: ClinVar variation 1457805 (VCV001457805.5).